The following is an entry in ClinVar:

NM_004055.5(CAPN5):c.650G>A (p.Arg217His)

Gene: CAPN5 (calpain 5; plus strand). Cytogenetic location: 11q13.5.
Variant type: single nucleotide variant.
Coding change: c.650G>A on transcript NM_004055.5 (MANE Select); coding-DNA position 650, G replaced by A.
Protein change: p.Arg217His; replaces arginine 217 with histidine.
Molecular consequence: missense variant.
Genome position (GRCh38, 1-based): chr11:77,114,385, G>A. VCF-style: chr11-77114385-G-A. GRCh37 (hg19) VCF-style: chr11-76825431-G-A.
Other names: short protein forms R217H.
Identifiers: ClinVar variation 953460 (VCV000953460.11), dbSNP rs202032027, ClinGen allele CA6196496.

ClinVar aggregate classification (germline): Conflicting classifications of pathogenicity. Review status: criteria provided, conflicting classifications (1 of 4 stars). 3 submissions from 3 submitters: Uncertain significance (2); Likely benign (1). Last evaluated 2025-06-27.

Conditions:
Autosomal dominant neovascular inflammatory vitreoretinopathy. Also called: CAPN5-related vitreoretinopathy. Identifiers: Orphanet 329211, MedGen C4721549, MONDO:0100450.

Allele frequency attached by ClinVar (database versions not stated): ESP Exome Variant Server 0.00008; TOPMed 0.00009; gnomAD 0.00010.
gnomAD v4.1: 215 of 1,614,098 alleles (0.013%); highest among the groups gnomAD compares: Non-Finnish European, 0.017%; no homozygotes.

Submissions (3):

Labcorp Genetics (formerly Invitae), Labcorp
Classification: Uncertain significance. Last evaluated: 2025-06-27. Review status: criteria provided, single submitter. Criteria: Invitae Variant Classification Sherloc (09022015). Collection method: clinical testing. Allele origin: germline.
Comment: This sequence change replaces arginine, which is basic and polar, with histidine, which is basic and polar, at codon 217 of the CAPN5 protein (p.Arg217His). This variant is present in population databases (rs202032027, gnomAD 0.05%), and has an allele count higher than expected for a pathogenic variant. This variant has not been reported in the literature in individuals affected with CAPN5-related conditions. ClinVar contains an entry for this variant (Variation ID: 953460). Invitae Evidence Modeling of protein sequence and biophysical properties (such as structural, functional, and spatial information, amino acid conservation, physicochemical variation, residue mobility, and thermodynamic stability) indicates that this missense variant is not expected to disrupt CAPN5 protein function with a negative predictive value of 80%. In summary, the available evidence is currently insufficient to determine the role of this variant in disease. Therefore, it has been classified as a Variant of Uncertain Significance.

Blueprint Genetics
Classification: Likely benign. Last evaluated: 2022-12-01. Review status: criteria provided, single submitter. Criteria: ACMG Guidelines, 2015. Collection method: clinical testing. Allele origin: germline.

Department of Pathology and Laboratory Medicine, Sinai Health System
Classification: Uncertain significance for CAPN5-related vitreoretinopathy. Last evaluated: 2021-12-07. Review status: criteria provided, single submitter. Criteria: ACMG Guidelines, 2015. Collection method: research. Allele origin: germline.